The following is an entry in ClinVar:

ClinVar aggregate classification (germline): Pathogenic/Likely pathogenic. Review status: criteria provided, multiple submitters, no conflicts (2 of 4 stars). 2 submissions from 2 submitters: Pathogenic (1); Likely pathogenic (1). Last evaluated 2024-01-15.

Conditions:
Muscular dystrophy-dystroglycanopathy (congenital with impaired intellectual development), type B, 2. Also called: MUSCULAR DYSTROPHY, CONGENITAL, POMT2-RELATED; Muscular dystrophy-dystroglycanopathy (congenital with intellectual disability), type B2. Identifiers: MedGen C3150416, MONDO:0013160, OMIM 613156.
Muscular dystrophy-dystroglycanopathy (congenital with brain and eye anomalies), type A2. Also called: MUSCULAR DYSTROPHY-DYSTROGLYCANOPATHY (CONGENITAL WITH BRAIN AND EYE ANOMALIES), TYPE A, 2; WALKER-WARBURG SYNDROME OR MUSCLE-EYE-BRAIN DISEASE, POMT2-RELATED. Identifiers: Orphanet 588, Orphanet 899, MedGen C3150411, MONDO:0013154, OMIM 613150.
Autosomal recessive limb-girdle muscular dystrophy type 2N. Also called: MUSCULAR DYSTROPHY-DYSTROGLYCANOPATHY, LIMB-GIRDLE, POMT2-RELATED; Muscular dystrophy-dystroglycanopathy (limb-girdle), type C, 2. Identifiers: Orphanet 206559, MedGen C3150418, MONDO:0013162, OMIM 613158.

Submissions (2):

Fulgent Genetics
Classification: Likely pathogenic for Muscular dystrophy-dystroglycanopathy (congenital with brain and eye anomalies), type A2; Muscular dystrophy-dystroglycanopathy (congenital with impaired intellectual development), type B, 2; Autosomal recessive limb-girdle muscular dystrophy type 2N. Last evaluated: 2024-01-15. Review status: criteria provided, single submitter. Criteria: ACMG Guidelines, 2015. Collection method: clinical testing. Allele origin: germline.

Labcorp Genetics (formerly Invitae), Labcorp
Classification: Pathogenic for Muscular dystrophy-dystroglycanopathy (congenital with impaired intellectual development), type B, 2; Muscular dystrophy-dystroglycanopathy (congenital with brain and eye anomalies), type A2; Autosomal recessive limb-girdle muscular dystrophy type 2N. Last evaluated: 2023-05-31. Review status: criteria provided, single submitter. Criteria: Invitae Variant Classification Sherloc (09022015). Collection method: clinical testing. Allele origin: germline.
Comment: For these reasons, this variant has been classified as Pathogenic. Algorithms developed to predict the effect of sequence changes on RNA splicing suggest that this variant may disrupt the consensus splice site. Disruption of this splice site has been observed in individuals with clinical features of POMT2-related conditions (PMID: 29175898; Invitae). This variant is not present in population databases (gnomAD no frequency). This sequence change affects a donor splice site in intron 6 of the POMT2 gene. It is expected to disrupt RNA splicing. Variants that disrupt the donor or acceptor splice site typically lead to a loss of protein function (PMID: 16199547), and loss-of-function variants in POMT2 are known to be pathogenic (PMID: 15894594).

Literature cited by the submitters: PubMed 29175898 (cited by Labcorp Genetics (formerly Invitae), Labcorp); PubMed 16199547 (cited by Labcorp Genetics (formerly Invitae), Labcorp); PubMed 15894594 (cited by Labcorp Genetics (formerly Invitae), Labcorp).

NM_013382.7(POMT2):c.816+1G>T

Gene: POMT2 (protein O-mannosyltransferase 2; minus strand). Cytogenetic location: 14q24.3.
Variant type: single nucleotide variant.
Coding change: c.816+1G>T on transcript NM_013382.7 (MANE Select); the canonical splice donor site of the intron after coding-DNA position 816, G replaced by T.
Molecular consequence: splice donor variant.
Genome position (GRCh38, 1-based): chr14:77,301,089, C>A on the plus strand (G>T on the coding strand, the complement: POMT2 is on the minus strand). VCF-style: chr14-77301089-C-A. GRCh37 (hg19) VCF-style: chr14-77767432-C-A.
Identifiers: ClinVar variation 2930441 (VCV002930441.4), dbSNP rs1206233497, ClinGen allele CA390520069.